The following is an entry in ClinVar:

NM_001123385.2(BCOR):c.4714del (p.Ser1572fs)

Gene: BCOR (BCL6 corepressor; minus strand). Cytogenetic location: Xp11.4.
Variant type: Deletion.
Coding change: c.4714del on transcript NM_001123385.2 (MANE Select); coding-DNA position 4714, one base deleted (A; older notation c.4714delA).
Protein change: p.Ser1572fs; shifts the reading frame from serine 1572.
Molecular consequence: frameshift variant.
Genome position (GRCh38, 1-based): chrX:40,055,395, T deleted on the plus strand (A on the coding strand, the reverse complement: BCOR is on the minus strand). VCF-style (leftmost placement, unchanged base first): chrX-40055394-CT-C. GRCh37 (hg19) VCF-style: chrX-39914647-CT-C.
Other names: c.4612delA, p.Ser1538Valfs (NM_001123383.2); c.4558del, p.Ser1520fs (NM_001123384.2); c.4714delA, p.Ser1572Valfs (NM_001123385.1); c.4612del, p.Ser1538fs (NM_017745.6); short protein forms S1520fs, S1538fs, S1572fs.
Identifiers: ClinVar variation 1301880 (VCV001301880.1), dbSNP rs2146890750, ClinGen allele CA2573055301.

ClinVar aggregate classification (germline): Likely pathogenic (1 of 4 stars; one submission).

Conditions:
BCOR-related disorder. Also called: BCOR-related disorders; BCOR-related condition.

Submission:

Rady Children's Institute for Genomic Medicine, Rady Children's Hospital San Diego
Classification: Likely pathogenic for BCOR-related disorders. Last evaluated: 2020-10-08. Review status: criteria provided, single submitter. Criteria: ACMG Guidelines, 2015. Collection method: clinical testing. Allele origin: germline. Affected: yes.
Comment: This frameshifting variant in exon 12 of 15 introduces a premature stop codon and is therefore predicted to result in loss of normal protein function through either protein truncation or nonsense-mediated mRNA decay (NMD). This variant has not been previously reported or functionally characterized in the literature to our knowledge. It is absent from the gnomAD population database and thus is presumed to be rare. Based on the available evidence, the c.4714del (p.Ser1572ValfsTer8) variant is classified as Likely Pathogenic.